The following is an entry in ClinVar:

NM_013339.4(ALG6):c.338G>T (p.Arg113Leu)

Gene: ALG6 (ALG6 alpha-1,3-glucosyltransferase; plus strand). Cytogenetic location: 1p31.3.
Variant type: single nucleotide variant.
Coding change: c.338G>T on transcript NM_013339.4 (MANE Select); coding-DNA position 338, G replaced by T.
Protein change: p.Arg113Leu; replaces arginine 113 with leucine.
Molecular consequence: missense variant.
Genome position (GRCh38, 1-based): chr1:63,404,533, G>T. VCF-style: chr1-63404533-G-T. GRCh37 (hg19) VCF-style: chr1-63870204-G-T.
Other names: short protein forms R113L.
Identifiers: ClinVar variation 2165883 (VCV002165883.1), dbSNP rs768372697, ClinGen allele CA888137.

ClinVar aggregate classification (germline): Uncertain significance (1 of 4 stars; one submission).

Conditions:
ALG6-congenital disorder of glycosylation 1C (CDG1C). Also called: CDG Ic; CARBOHYDRATE-DEFICIENT GLYCOPROTEIN SYNDROME, TYPE I, WITH DEFICIENT GLYCOSYLATION OF DOLICHOL-LINKED OLIGOSACCHARIDE; CARBOHYDRATE-DEFICIENT GLYCOPROTEIN SYNDROME, TYPE V; Congenital disorder of glycosylation type 1C; Congenital disorder of glycosylation, type Ic. Identifiers: Orphanet 79320, MedGen C2930997, MONDO:0011291, OMIM 603147.

gnomAD v4.1: 1 of 1,613,200 alleles (0.000062%); highest among the groups gnomAD compares: Middle Eastern, 0.017%; no homozygotes.

Submission:

Labcorp Genetics (formerly Invitae), Labcorp
Classification: Uncertain significance for ALG6-congenital disorder of glycosylation 1C. Last evaluated: 2021-11-02. Review status: criteria provided, single submitter. Criteria: Invitae Variant Classification Sherloc (09022015). Collection method: clinical testing. Allele origin: germline.
Comment: This sequence change replaces arginine, which is basic and polar, with leucine, which is neutral and non-polar, at codon 113 of the ALG6 protein (p.Arg113Leu). This variant is present in population databases (rs768372697, gnomAD no frequency). This variant has not been reported in the literature in individuals affected with ALG6-related conditions. Algorithms developed to predict the effect of missense changes on protein structure and function (SIFT, PolyPhen-2, Align-GVGD) all suggest that this variant is likely to be disruptive. This variant disrupts the p.Arg113 amino acid residue in ALG6. Other variant(s) that disrupt this residue have been determined to be pathogenic (PMID: 16321363). This suggests that this residue is clinically significant, and that variants that disrupt this residue are likely to be disease-causing. In summary, the available evidence is currently insufficient to determine the role of this variant in disease. Therefore, it has been classified as a Variant of Uncertain Significance.

Literature cited by the submitters: PubMed 16321363.